The following is an entry in ClinVar:

ClinVar aggregate classification (germline): Likely benign. Review status: criteria provided, multiple submitters, no conflicts (2 of 4 stars). 4 submissions from 4 submitters: Likely benign (3). 1 of the submissions does not count toward it. Last evaluated 2025-12-08.

Conditions:
RLBP1-related disorder. Also called: RLBP1-related condition; RLBP1-related disorders. Identifiers: MedGen CN239413.
Retinal dystrophy. Also called: Inherited retinal dystrophy. Identifiers: Orphanet 71862, MedGen C0854723, MeSH D058499, MONDO:0019118, HP:0000556.

Allele frequency attached by ClinVar (database versions not stated): gnomAD 0.00001 and 0.00003; TOPMed 0.00002; gnomAD exomes 0.00004 and 0.00011; ExAC 0.00008; 1000 Genomes Project 0.00040; 1000 Genomes Project 30x 0.00047.
gnomAD v4.1: 63 of 1,613,458 alleles (0.0039%); highest among the groups gnomAD compares: East Asian, 0.071%; 1 homozygote.

Submissions (4):

Labcorp Genetics (formerly Invitae), Labcorp
Classification: Likely benign. Last evaluated: 2025-12-08. Review status: criteria provided, single submitter. Criteria: Invitae Variant Classification Sherloc (09022015). Collection method: clinical testing. Allele origin: germline.

Blueprint Genetics
Classification: Likely benign. Last evaluated: 2024-04-23. Review status: criteria provided, single submitter. Criteria: ACMG Guidelines, 2015. Collection method: clinical testing. Allele origin: germline.

Dept Of Ophthalmology, Nagoya University
Classification: Likely benign for Retinal dystrophy. Last evaluated: 2023-10-01. Review status: criteria provided, single submitter. Criteria: Submitter's publication. Collection method: research. Allele origin: germline. Affected: yes.

PreventionGenetics, part of Exact Sciences
Classification: Likely benign for RLBP1-related condition. Last evaluated: 2024-06-03. Review status: no assertion criteria provided. Collection method: clinical testing. Allele origin: germline. Not counted in ClinVar's aggregate classification.
Comment: This variant is classified as likely benign based on ACMG/AMP sequence variant interpretation guidelines (Richards et al. 2015 PMID: 25741868, with internal and published modifications).

NM_000326.5(RLBP1):c.255G>A (p.Ala85=)

Gene: RLBP1 (retinaldehyde binding protein 1; minus strand). Cytogenetic location: 15q26.1.
Variant type: single nucleotide variant.
Coding change: c.255G>A on transcript NM_000326.5 (MANE Select); coding-DNA position 255, G replaced by A.
Protein change: p.Ala85=; no amino-acid change (alanine 85 retained).
Molecular consequence: synonymous variant.
Genome position (GRCh38, 1-based): chr15:89,217,211, C>T on the plus strand (G>A on the coding strand, the complement: RLBP1 is on the minus strand). VCF-style: chr15-89217211-C-T. GRCh37 (hg19) VCF-style: chr15-89760442-C-T.
Other names: c.255G>A (NM_000326.4).
Identifiers: ClinVar variation 1156970 (VCV001156970.12), dbSNP rs557154377, ClinGen allele CA7722343.